The following is an entry in ClinVar:

NM_016343.4(CENPF):c.7362G>C (p.Val2454=)

Gene: CENPF (centromere protein F; plus strand). Cytogenetic location: 1q41.
Variant type: single nucleotide variant.
Coding change: c.7362G>C on transcript NM_016343.4 (MANE Select); coding-DNA position 7362, G replaced by C.
Protein change: p.Val2454=; no amino-acid change (valine 2454 retained).
Molecular consequence: synonymous variant.
Genome position (GRCh38, 1-based): chr1:214,646,932, G>C. VCF-style: chr1-214646932-G-C. GRCh37 (hg19) VCF-style: chr1-214820275-G-C.
Identifiers: ClinVar variation 3349712 (VCV003349712.9).

ClinVar aggregate classification (germline): Likely benign. Review status: criteria provided, single submitter (1 of 4 stars). 2 submissions from 2 submitters: Likely benign (1). 1 of the submissions does not count toward it. Last evaluated 2025-07-01.

Conditions:
CENPF-related disorder. Also called: CENPF-related condition.

Submissions (2):

CeGaT Center for Human Genetics Tuebingen
Classification: Likely benign. Last evaluated: 2025-07-01. Review status: criteria provided, single submitter. Criteria: CeGaT Center For Human Genetics Tuebingen Variant Classification Criteria Version 2. Collection method: clinical testing. Allele origin: germline. Affected: yes. Observed: 2 variant alleles.
Comment: CENPF: BP4, BP7

PreventionGenetics, part of Exact Sciences
Classification: Likely benign for CENPF-related condition. Last evaluated: 2024-04-23. Review status: no assertion criteria provided. Collection method: clinical testing. Allele origin: germline. Not counted in ClinVar's aggregate classification.
Comment: This variant is classified as likely benign based on ACMG/AMP sequence variant interpretation guidelines (Richards et al. 2015 PMID: 25741868, with internal and published modifications).